The following is an entry in ClinVar:

ClinVar aggregate classification (germline): Uncertain significance (1 of 4 stars; one submission).

Conditions:
Hereditary cancer-predisposing syndrome. Also called: Neoplastic Syndromes, Hereditary; Tumor predisposition; Hereditary Cancer Syndrome; Hereditary neoplastic syndrome. Identifiers: Orphanet 140162, MedGen C0027672, MeSH D009386, MONDO:0015356.

Submission:

Ambry Genetics
Classification: Uncertain significance for Hereditary cancer-predisposing syndrome. Last evaluated: 2021-05-30. Review status: criteria provided, single submitter. Criteria: Ambry Variant Classification Scheme 2023. Collection method: clinical testing. Allele origin: germline.
Comment: The p.M296I variant (also known as c.888G>T), located in coding exon 7 of the NBN gene, results from a G to T substitution at nucleotide position 888. The methionine at codon 296 is replaced by isoleucine, an amino acid with highly similar properties. This amino acid position is not well conserved in available vertebrate species. In addition, this alteration is predicted to be tolerated by in silico analysis. Since supporting evidence is limited at this time, the clinical significance of this alteration remains unclear.

NM_002485.5(NBN):c.888G>T (p.Met296Ile)

Gene: NBN (nibrin; minus strand). Cytogenetic location: 8q21.3.
Variant type: single nucleotide variant.
Coding change: c.888G>T on transcript NM_002485.5 (MANE Select); coding-DNA position 888, G replaced by T.
Protein change: p.Met296Ile; replaces methionine 296 with isoleucine.
Molecular consequence: missense variant.
Genome position (GRCh38, 1-based): chr8:89,970,372, C>A on the plus strand (G>T on the coding strand, the complement: NBN is on the minus strand). VCF-style: chr8-89970372-C-A. GRCh37 (hg19) VCF-style: chr8-90982600-C-A.
Other names: c.642G>T, p.Met214Ile (NM_001024688.3); short protein forms M214I, M296I.
Identifiers: ClinVar variation 1764994 (VCV001764994.2), dbSNP rs2488308779, ClinGen allele CA371658187.